The following is an entry in ClinVar:

NC_000016.10:g.(?_28475343)_(28477877_?)dup

Gene: CLN3 (CLN3 lysosomal/endosomal transmembrane protein, battenin; minus strand). Cytogenetic location: 16p11.2.
Variant type: Duplication.
Identifiers: ClinVar variation 832660 (VCV000832660.1).

ClinVar aggregate classification (germline): Uncertain significance (1 of 4 stars; one submission).

Conditions:
Neuronal ceroid lipofuscinosis. Also called: Neuronal Ceroid Lipofuscinoses. Identifiers: Orphanet 216, Orphanet 79263, MedGen C0027877, MONDO:0016295. Disease mechanism: loss of function.

Submission:

Labcorp Genetics (formerly Invitae), Labcorp
Classification: Uncertain significance for Neuronal ceroid lipofuscinosis. Last evaluated: 2019-11-08. Review status: criteria provided, single submitter. Criteria: Invitae Variant Classification Sherloc (09022015). Collection method: clinical testing. Allele origin: germline.
Comment: This variant results in a copy number gain of the genomic region encompassing exons 15-16 of the CLN3 gene. The 5' boundary is likely confined to intron 14. The 3' end of this event is unknown as it extends beyond the assayed region for this gene and therefore may encompass additional genes. As the precise location of this event is unknown, it may be in tandem or it may be located elsewhere in the genome. This variant has not been reported in the literature in individuals with CLN3-related disease. In summary, the available evidence is currently insufficient to determine the role of this variant in disease. Therefore, it has been classified as a Variant of Uncertain Significance.